The following is an entry in ClinVar:

ClinVar aggregate classification (germline): Uncertain significance (1 of 4 stars; one submission).

Conditions:
Infantile neuroaxonal dystrophy (NBIA2A). Also called: NEURODEGENERATION WITH BRAIN IRON ACCUMULATION 2A; SEITELBERGER DISEASE; Infantile neuroaxonal dystrophy 1. Identifiers: Orphanet 35069, MedGen C0270724, MONDO:0024457, OMIM 256600.

Allele frequency attached by ClinVar (database versions not stated): TOPMed below 0.00001; ExAC 0.00001; gnomAD exomes below 0.00001.

Submission:

Labcorp Genetics (formerly Invitae), Labcorp
Classification: Uncertain significance for Infantile neuroaxonal dystrophy. Last evaluated: 2022-06-19. Review status: criteria provided, single submitter. Criteria: Invitae Variant Classification Sherloc (09022015). Collection method: clinical testing. Allele origin: germline.
Comment: This sequence change replaces proline, which is neutral and non-polar, with leucine, which is neutral and non-polar, at codon 422 of the PLA2G6 protein (p.Pro422Leu). This variant is present in population databases (rs780391923, gnomAD 0.003%). This variant has not been reported in the literature in individuals affected with PLA2G6-related conditions. Advanced modeling of protein sequence and biophysical properties (such as structural, functional, and spatial information, amino acid conservation, physicochemical variation, residue mobility, and thermodynamic stability) performed at Invitae indicates that this missense variant is not expected to disrupt PLA2G6 protein function. In summary, the available evidence is currently insufficient to determine the role of this variant in disease. Therefore, it has been classified as a Variant of Uncertain Significance.

NM_003560.4(PLA2G6):c.1265C>T (p.Pro422Leu)

Gene: PLA2G6 (phospholipase A2 group VI; minus strand). Cytogenetic location: 22q13.1.
Variant type: single nucleotide variant.
Coding change: c.1265C>T on transcript NM_003560.4 (MANE Select); coding-DNA position 1265, C replaced by T.
Protein change: p.Pro422Leu; replaces proline 422 with leucine.
Molecular consequence: missense variant. On other transcripts: intron variant (5).
Genome position (GRCh38, 1-based): chr22:38,128,352, G>A on the plus strand (C>T on the coding strand, the complement: PLA2G6 is on the minus strand). VCF-style: chr22-38128352-G-A. GRCh37 (hg19) VCF-style: chr22-38524359-G-A.
Other names: c.1265C>T, p.Pro422Leu (NM_001349864.2); c.731C>T, p.Pro244Leu (NM_001349867.2); c.587C>T, p.Pro196Leu (NM_001349868.2); c.1186+1102C>T (NM_001349866.2, NM_001199562.3, NM_001349865.2 and 1 more transcripts); c.652+1102C>T (NM_001349869.2); short protein forms P244L, P422L, P196L.
Identifiers: ClinVar variation 2108934 (VCV002108934.1), dbSNP rs780391923, ClinGen allele CA10230963.